The following is an entry in ClinVar:

NM_080680.3(COL11A2):c.3776A>C (p.Asp1259Ala)

Gene: COL11A2 (collagen type XI alpha 2 chain; minus strand). Cytogenetic location: 6p21.32.
Variant type: single nucleotide variant.
Coding change: c.3776A>C on transcript NM_080680.3 (MANE Select); coding-DNA position 3776, A replaced by C.
Protein change: p.Asp1259Ala; replaces aspartic acid 1259 with alanine.
Molecular consequence: missense variant.
Genome position (GRCh38, 1-based): chr6:33,169,405, T>G on the plus strand (A>C on the coding strand, the complement: COL11A2 is on the minus strand). VCF-style: chr6-33169405-T-G. GRCh37 (hg19) VCF-style: chr6-33137182-T-G.
Other names: c.3455A>C, p.Asp1152Ala (NM_080679.3); c.3518A>C, p.Asp1173Ala (NM_080681.3); short protein forms D1152A, D1173A, D1259A.
Identifiers: ClinVar variation 2119549 (VCV002119549.5), dbSNP rs1252249983, ClinGen allele CA363627535.

ClinVar aggregate classification (germline): Uncertain significance. Review status: criteria provided, multiple submitters, no conflicts (2 of 4 stars). 2 submissions from 2 submitters: Uncertain significance (2). Last evaluated 2026-02-13.

Conditions:
Fibrochondrogenesis 2 (FBCG2). Identifiers: Orphanet 2021, MedGen C3281128, MONDO:0013795, OMIM 614524.

gnomAD v4.1: 1 of 1,612,882 alleles (0.000062%); highest among the groups gnomAD compares: Non-Finnish European, 0.000085%; no homozygotes.

Submissions (2):

OLLIN Analises Genomicas, OLLIN
Classification: Uncertain significance for Fibrochondrogenesis 2. Last evaluated: 2026-02-13. Review status: criteria provided, single submitter. Criteria: ACMG Guidelines 2015 PMID 25741868. Collection method: clinical testing. Allele origin: germline. Observed: 1 variant allele.
Comment: PM2_P, PP3

Labcorp Genetics (formerly Invitae), Labcorp
Classification: Uncertain significance. Last evaluated: 2022-03-29. Review status: criteria provided, single submitter. Criteria: Invitae Variant Classification Sherloc (09022015). Collection method: clinical testing. Allele origin: germline.
Comment: In summary, the available evidence is currently insufficient to determine the role of this variant in disease. Therefore, it has been classified as a Variant of Uncertain Significance. Advanced modeling of protein sequence and biophysical properties (such as structural, functional, and spatial information, amino acid conservation, physicochemical variation, residue mobility, and thermodynamic stability) performed at Invitae indicates that this missense variant is not expected to disrupt COL11A2 protein function. This variant has not been reported in the literature in individuals affected with COL11A2-related conditions. This variant is not present in population databases (gnomAD no frequency). This sequence change replaces aspartic acid, which is acidic and polar, with alanine, which is neutral and non-polar, at codon 1259 of the COL11A2 protein (p.Asp1259Ala).